The following is an entry in ClinVar:

NM_001374385.1(ATP8B1):c.2282T>A (p.Ile761Asn)

Genes: ATP8B1 (ATPase phospholipid transporting 8B1; minus strand), ATP8B1-AS1 (ATP8B1 antisense RNA 1; plus strand). Cytogenetic location: 18q21.31.
Variant type: single nucleotide variant.
Coding change: c.2282T>A on transcript NM_001374385.1 (MANE Select); coding-DNA position 2282, T replaced by A.
Protein change: p.Ile761Asn; replaces isoleucine 761 with asparagine.
Molecular consequence: missense variant.
Genome position (GRCh38, 1-based): chr18:57,667,095, A>T on the plus strand (T>A on the coding strand, the complement: ATP8B1 is on the minus strand). VCF-style: chr18-57667095-A-T. GRCh37 (hg19) VCF-style: chr18-55334327-A-T.
Other names: c.2132T>A, p.Ile711Asn (NM_001374386.1); c.2282T>A, p.Ile761Asn (NM_005603.6); short protein forms I761N, I711N.
Identifiers: ClinVar variation 694736 (VCV000694736.5), dbSNP rs1599090593, ClinGen allele CA402554567.
Genomic context (GRCh38, chr18:57,667,095, plus strand): 5'-TCTTGCATTTGCAAAGATGAGCTATTACGTAATTTCATACTGCAGGCTTTTACTCACTTA[A>T]TATCCTCCCCATAGCAGATGGTGGTGTCTTCAGTCAGAAGTTCACAAGCAAATCCTATAT-3'
Protein context (NP_001361314.1, residues 751-771): EDTTICYGED[Ile761Asn]NSLLHARMEN

ClinVar aggregate classification (germline): Uncertain significance (1 of 4 stars; one submission).

Conditions:
Progressive familial intrahepatic cholestasis type 1. Also called: Byler's disease; Severe ATP8B1 Deficiency (Progressive Familial Intrahepatic Cholestasis Type 1 [PFIC1]); BYLER DISEASE. Identifiers: Orphanet 79306, MedGen C4551898, MONDO:0008892, OMIM 211600.
Intrahepatic cholestasis with episodic jaundice. Identifiers: MedGen C4025019, HP:0006575.

Submission:

Diagnostics Services (NGS), CSIR - Centre For Cellular And Molecular Biology
Classification: Uncertain significance for Intrahepatic cholestasis with episodic jaundice; Progressive familial intrahepatic cholestasis type 1. Last evaluated: 2019-11-08. Review status: criteria provided, single submitter. Criteria: ACMG Guidelines, 2015. Collection method: clinical testing. Allele origin: unknown. Inheritance: Autosomal recessive inheritance. Affected: no. Observed: 1 heterozygote.
Comment: The Ile761Asn variant is not present in publicly available databases like 1000 Genomes, Exome Variant Server (EVS), Exome Aggregation Consortium (ExAC), Genome Aggregation Database (gnomAD) and dbSNP. The variant is also not present in our in-house exome database. The variant was also not reported to OMIM, ClinVar and Human Genome Mutation Database (HGMD) in any other affected individuals. Predictions from different In-silico pathogenicity prediction programs are contradictory.